The following is an entry in ClinVar:

ClinVar aggregate classification (germline): Uncertain significance (1 of 4 stars; one submission).

Submission:

Labcorp Genetics (formerly Invitae), Labcorp
Classification: Uncertain significance. Last evaluated: 2021-11-30. Review status: criteria provided, single submitter. Criteria: Invitae Variant Classification Sherloc (09022015). Collection method: clinical testing. Allele origin: germline.
Comment: In summary, the available evidence is currently insufficient to determine the role of this variant in disease. Therefore, it has been classified as a Variant of Uncertain Significance. Algorithms developed to predict the effect of missense changes on protein structure and function are either unavailable or do not agree on the potential impact of this missense change (SIFT: "Deleterious"; PolyPhen-2: "Not Available"; Align-GVGD: "Class C15"). This variant has not been reported in the literature in individuals affected with PTPN23-related conditions. This sequence change replaces leucine, which is neutral and non-polar, with phenylalanine, which is neutral and non-polar, at codon 438 of the PTPN23 protein (p.Leu438Phe). This variant is not present in population databases (gnomAD no frequency).

NM_015466.4(PTPN23):c.1312C>T (p.Leu438Phe)

Gene: PTPN23 (protein tyrosine phosphatase non-receptor type 23; plus strand). Cytogenetic location: 3p21.31.
Variant type: single nucleotide variant.
Coding change: c.1312C>T on transcript NM_015466.4 (MANE Select); coding-DNA position 1312, C replaced by T.
Protein change: p.Leu438Phe; replaces leucine 438 with phenylalanine.
Molecular consequence: missense variant.
Genome position (GRCh38, 1-based): chr3:47,408,472, C>T. VCF-style: chr3-47408472-C-T. GRCh37 (hg19) VCF-style: chr3-47449962-C-T.
Other names: c.934C>T, p.Leu312Phe (NM_001304482.2); short protein forms L312F, L438F.
Identifiers: ClinVar variation 1495712 (VCV001495712.6), dbSNP rs2107718521, ClinGen allele CA352552712.